The following is an entry in ClinVar:

NM_000264.5(PTCH1):c.2844G>A (p.Trp948Ter)

Gene: PTCH1 (patched 1; minus strand). Cytogenetic location: 9q22.32.
Variant type: single nucleotide variant.
Coding change: c.2844G>A on transcript NM_000264.5 (MANE Select); coding-DNA position 2844, G replaced by A.
Protein change: p.Trp948Ter; replaces tryptophan 948 with a stop codon.
Molecular consequence: nonsense. On other transcripts: non-coding transcript variant (1).
Genome position (GRCh38, 1-based): chr9:95,459,643, C>T on the plus strand (G>A on the coding strand, the complement: PTCH1 is on the minus strand). VCF-style: chr9-95459643-C-T. GRCh37 (hg19) VCF-style: chr9-98221925-C-T.
Other names: c.2646G>A, p.Trp882Ter (NM_001083602.3); c.2841G>A, p.Trp947Ter (NM_001083603.3); c.2391G>A, p.Trp797Ter (NM_001083604.3, NM_001083605.3, NM_001083606.3 and 1 more transcripts); c.2688G>A, p.Trp896Ter (NM_001354918.2); short protein forms W797*, W882*, W896*, W947*, W948*.
Identifiers: ClinVar variation 1074042 (VCV001074042.7), dbSNP rs2136670613, ClinGen allele CA374112963.

ClinVar aggregate classification (germline): Pathogenic (1 of 4 stars; one submission).

Conditions:
Gorlin syndrome. Also called: Basal cell nevus syndrome; Nevoid Basal Cell Carcinoma Syndrome. Identifiers: Orphanet 377, MedGen C0004779, MONDO:0007187.

Submission:

Labcorp Genetics (formerly Invitae), Labcorp
Classification: Pathogenic for Gorlin syndrome. Last evaluated: 2021-07-30. Review status: criteria provided, single submitter. Criteria: Invitae Variant Classification Sherloc (09022015). Collection method: clinical testing. Allele origin: germline.
Comment: For these reasons, this variant has been classified as Pathogenic. Loss-of-function variants in PTCH1 are known to be pathogenic (PMID: 16301862, 16419085). This variant has not been reported in the literature in individuals with PTCH1-related conditions. This variant is not present in population databases (ExAC no frequency). This sequence change creates a premature translational stop signal (p.Trp948*) in the PTCH1 gene. It is expected to result in an absent or disrupted protein product.

Literature cited by the submitters: PubMed 16301862; PubMed 16419085.